The following is an entry in ClinVar:

NM_020937.4(FANCM):c.3263A>G (p.His1088Arg)

Gene: FANCM (FA complementation group M; plus strand). Cytogenetic location: 14q21.2.
Variant type: single nucleotide variant.
Coding change: c.3263A>G on transcript NM_020937.4 (MANE Select); coding-DNA position 3263, A replaced by G.
Protein change: p.His1088Arg; replaces histidine 1088 with arginine.
Molecular consequence: missense variant.
Genome position (GRCh38, 1-based): chr14:45,176,017, A>G. VCF-style: chr14-45176017-A-G. GRCh37 (hg19) VCF-style: chr14-45645220-A-G.
Other names: c.3185A>G, p.His1062Arg (NM_001308133.2); short protein forms H1088R, H1062R.
Identifiers: ClinVar variation 2162433 (VCV002162433.4), dbSNP rs2503189075, ClinGen allele CA389600659.

ClinVar aggregate classification (germline): Uncertain significance (1 of 4 stars; one submission).

Conditions:
Fanconi anemia (FA). Also called: Fanconi's anemia. Identifiers: Orphanet 84, MedGen C0015625, MeSH D005199, MONDO:0019391.

Allele frequency attached by ClinVar (database versions not stated): gnomAD exomes below 0.00001.
gnomAD v4.1: 1 of 1,613,796 alleles (0.000062%); highest among the groups gnomAD compares: Non-Finnish European, 0.000085%; no homozygotes.

Submission:

Labcorp Genetics (formerly Invitae), Labcorp
Classification: Uncertain significance for Fanconi anemia. Last evaluated: 2022-09-19. Review status: criteria provided, single submitter. Criteria: Invitae Variant Classification Sherloc (09022015). Collection method: clinical testing. Allele origin: germline.
Comment: In summary, the available evidence is currently insufficient to determine the role of this variant in disease. Therefore, it has been classified as a Variant of Uncertain Significance. Algorithms developed to predict the effect of missense changes on protein structure and function (SIFT, PolyPhen-2, Align-GVGD) all suggest that this variant is likely to be tolerated. This variant has not been reported in the literature in individuals affected with FANCM-related conditions. This variant is not present in population databases (gnomAD no frequency). This sequence change replaces histidine, which is basic and polar, with arginine, which is basic and polar, at codon 1088 of the FANCM protein (p.His1088Arg).